The following is an entry in ClinVar:

NM_004168.4(SDHA):c.1432G>A (p.Gly478Arg)

Gene: SDHA (succinate dehydrogenase complex flavoprotein subunit A; plus strand). Cytogenetic location: 5p15.33.
Variant type: single nucleotide variant.
Coding change: c.1432G>A on transcript NM_004168.4 (MANE Select); coding-DNA position 1432, G replaced by A.
Protein change: p.Gly478Arg; replaces glycine 478 with arginine.
Molecular consequence: missense variant.
Genome position (GRCh38, 1-based): chr5:236,599, G>A. VCF-style: chr5-236599-G-A. GRCh37 (hg19) VCF-style: chr5-236714-G-A.
Other names: c.1288G>A, p.Gly430Arg (NM_001294332.2); c.1432G>A, p.Gly478Arg (NM_001330758.2); short protein forms G430R, G478R.
Identifiers: ClinVar variation 1772534 (VCV001772534.2), dbSNP rs759041443, ClinGen allele CA359014140.

ClinVar aggregate classification (germline): Uncertain significance (1 of 4 stars; one submission).

Conditions:
Hereditary cancer-predisposing syndrome. Also called: Hereditary Cancer Syndrome; Hereditary neoplastic syndrome; Neoplastic Syndromes, Hereditary; Tumor predisposition. Identifiers: Orphanet 140162, MedGen C0027672, MeSH D009386, MONDO:0015356.

Submission:

Ambry Genetics
Classification: Uncertain significance for Hereditary cancer-predisposing syndrome. Last evaluated: 2023-12-07. Review status: criteria provided, single submitter. Criteria: Ambry Variant Classification Scheme 2023. Collection method: clinical testing. Allele origin: germline.
Comment: The p.G478R variant (also known as c.1432G>A), located in coding exon 10 of the SDHA gene, results from a G to A substitution at nucleotide position 1432. The glycine at codon 478 is replaced by arginine, an amino acid with dissimilar properties. This amino acid position is highly conserved in available vertebrate species. In addition, the in silico prediction for this alteration is inconclusive. Since supporting evidence is limited at this time, the clinical significance of this alteration remains unclear.